The following is an entry in ClinVar:

NM_020911.2(PLXNA4):c.904C>T (p.Arg302Cys)

Gene: PLXNA4 (plexin A4; minus strand). Cytogenetic location: 7q32.3.
Variant type: single nucleotide variant.
Coding change: c.904C>T on transcript NM_020911.2 (MANE Select); coding-DNA position 904, C replaced by T.
Protein change: p.Arg302Cys; replaces arginine 302 with cysteine.
Molecular consequence: missense variant.
Genome position (GRCh38, 1-based): chr7:132,507,790, G>A on the plus strand (C>T on the coding strand, the complement: PLXNA4 is on the minus strand). VCF-style: chr7-132507790-G-A. GRCh37 (hg19) VCF-style: chr7-132192549-G-A.
Other names: c.904C>T, p.Arg302Cys (NM_001105543.2, NM_001393897.1, NM_181775.4); short protein forms R302C.
Identifiers: ClinVar variation 2634605 (VCV002634605.4), dbSNP rs779832724, ClinGen allele CA4490423.

ClinVar aggregate classification (germline): Uncertain significance (1 of 4 stars; one submission).

Conditions:
PLXNA4-related disorder. Also called: PLXNA4-related condition.

Allele frequency attached by ClinVar (database versions not stated): TOPMed 0.00017; ExAC 0.00021; gnomAD 0.00023.
gnomAD v4.1: 427 of 1,613,946 alleles (0.026%); highest among the groups gnomAD compares: South Asian, 0.06%; 1 homozygote.

Submission:

PreventionGenetics, part of Exact Sciences
Classification: Uncertain significance for PLXNA4-related condition. Last evaluated: 2026-07-01. Review status: criteria provided, single submitter. Criteria: ACMG Guidelines, 2015. Collection method: clinical testing. Allele origin: germline.
Comment: The PLXNA4 c.904C>T variant is predicted to result in the amino acid substitution p.Arg302Cys. The p.Arg302Cys variant was described in two siblings to Parkinson's disease (Schulte et al. 2013. PubMed ID: 24244438). However, that gene/disease association has not been conclusively established, and this variant is reported in 0.062% of alleles in individuals of South Asian descent in gnomAD, which may be too common to be a primary cause of disease. Although we suspect that this variant may be benign, at this time, the clinical significance of this variant is uncertain due to the absence of conclusive functional and genetic evidence.